The following is an entry in ClinVar:

ClinVar aggregate classification (germline): Uncertain significance (1 of 4 stars; one submission).

Conditions:
Charcot-Marie-Tooth disease axonal type 2Z. Also called: CHARCOT-MARIE-TOOTH DISEASE, AXONAL, AUTOSOMAL DOMINANT, TYPE 2Z; CHARCOT-MARIE-TOOTH NEUROPATHY, TYPE 2Z. Identifiers: Orphanet 466768, MedGen C5569025, MONDO:0014736, OMIM 616688.

gnomAD v4.1: 1 of 1,613,366 alleles (0.000062%); highest among the groups gnomAD compares: Non-Finnish European, 0.000085%; no homozygotes.

Submission:

Labcorp Genetics (formerly Invitae), Labcorp
Classification: Uncertain significance for Charcot-Marie-Tooth disease axonal type 2Z. Last evaluated: 2018-08-01. Review status: criteria provided, single submitter. Criteria: Invitae Variant Classification Sherloc (09022015). Collection method: clinical testing. Allele origin: germline.
Comment: Algorithms developed to predict the effect of missense changes on protein structure and function are either unavailable or do not agree on the potential impact of this missense change (SIFT: "Deleterious"; PolyPhen-2: "Probably Damaging"; Align-GVGD: "Class C0"). In summary, the available evidence is currently insufficient to determine the role of this variant in disease. Therefore, it has been classified as a Variant of Uncertain Significance. This variant has not been reported in the literature in individuals with MORC2-related disease. This variant is not present in population databases (ExAC no frequency). This sequence change replaces arginine with lysine at codon 427 of the MORC2 protein (p.Arg427Lys). The arginine residue is highly conserved and there is a small physicochemical difference between arginine and lysine.

NM_001303256.3(MORC2):c.1466G>A (p.Arg489Lys)

Gene: MORC2 (MORC family CW-type zinc finger 2; minus strand). Cytogenetic location: 22q12.2.
Variant type: single nucleotide variant.
Coding change: c.1466G>A on transcript NM_001303256.3 (MANE Select); coding-DNA position 1466, G replaced by A.
Protein change: p.Arg489Lys; replaces arginine 489 with lysine.
Molecular consequence: missense variant.
Genome position (GRCh38, 1-based): chr22:30,937,615, C>T on the plus strand (G>A on the coding strand, the complement: MORC2 is on the minus strand). VCF-style: chr22-30937615-C-T. GRCh37 (hg19) VCF-style: chr22-31333602-C-T.
Other names: c.1466G>A, p.Arg489Lys (NM_001303257.2); c.1280G>A, p.Arg427Lys (NM_014941.3); short protein forms R427K, R489K.
Identifiers: ClinVar variation 650164 (VCV000650164.7), dbSNP rs1602485184, ClinGen allele CA411237720.